The following is an entry in ClinVar:

NM_005097.4(LGI1):c.46C>G (p.Leu16Val)

Gene: LGI1 (leucine rich glioma inactivated 1; plus strand). Cytogenetic location: 10q23.33.
Variant type: single nucleotide variant.
Coding change: c.46C>G on transcript NM_005097.4 (MANE Select); coding-DNA position 46, C replaced by G.
Protein change: p.Leu16Val; replaces leucine 16 with valine.
Molecular consequence: missense variant. On other transcripts: non-coding transcript variant (1).
Genome position (GRCh38, 1-based): chr10:93,758,190, C>G. VCF-style: chr10-93758190-C-G. GRCh37 (hg19) VCF-style: chr10-95517947-C-G.
Other names: c.46C>G, p.Leu16Val (NM_001308275.2, NM_001308276.2); short protein forms L16V.
Identifiers: ClinVar variation 464750 (VCV000464750.16), dbSNP rs777973395, ClinGen allele CA5610991.

ClinVar aggregate classification (germline): Conflicting classifications of pathogenicity. Review status: criteria provided, conflicting classifications (1 of 4 stars). 2 submissions from 2 submitters: Uncertain significance (1); Likely benign (1). Last evaluated 2026-01-05.

Conditions:
Inborn genetic diseases. Identifiers: MedGen C0950123, MeSH D030342.
Autosomal dominant epilepsy with auditory features. Identifiers: Orphanet 101046, MedGen C1838062, MONDO:0010898.

Allele frequency attached by ClinVar (database versions not stated): TOPMed below 0.00001; ExAC 0.00001; gnomAD 0.00001; gnomAD exomes 0.00002 and 0.00004.
gnomAD v4.1: 12 of 1,614,058 alleles (0.00074%); highest among the groups gnomAD compares: Admixed American, 0.02%; no homozygotes.

Submissions (2):

Labcorp Genetics (formerly Invitae), Labcorp
Classification: Uncertain significance for Autosomal dominant epilepsy with auditory features. Last evaluated: 2026-01-05. Review status: criteria provided, single submitter. Criteria: Invitae Variant Classification Sherloc (09022015). Collection method: clinical testing. Allele origin: germline.
Comment: This sequence change replaces leucine, which is neutral and non-polar, with valine, which is neutral and non-polar, at codon 16 of the LGI1 protein (p.Leu16Val). This variant is present in population databases (rs777973395, gnomAD 0.03%). This variant has not been reported in the literature in individuals affected with LGI1-related conditions. ClinVar contains an entry for this variant (Variation ID: 464750). An algorithm developed to predict the effect of missense changes on protein structure and function (PolyPhen-2) suggests that this variant is likely to be tolerated. In summary, the available evidence is currently insufficient to determine the role of this variant in disease. Therefore, it has been classified as a Variant of Uncertain Significance.

Ambry Genetics
Classification: Likely benign for Inborn genetic diseases. Last evaluated: 2021-12-28. Review status: criteria provided, single submitter. Criteria: Ambry Variant Classification Scheme 2023. Collection method: clinical testing. Allele origin: germline.